The following is an entry in ClinVar:

NM_001001671.4(MAP3K15):c.1440-1G>T

Gene: MAP3K15 (mitogen-activated protein kinase kinase kinase 15; minus strand). Cytogenetic location: Xp22.12.
Variant type: single nucleotide variant.
Coding change: c.1440-1G>T on transcript NM_001001671.4 (MANE Select); the canonical splice acceptor site of the intron before coding-DNA position 1440, G replaced by T.
Molecular consequence: splice acceptor variant.
Genome position (GRCh38, 1-based): chrX:19,415,258, C>A on the plus strand (G>T on the coding strand, the complement: MAP3K15 is on the minus strand). VCF-style: chrX-19415258-C-A. GRCh37 (hg19) VCF-style: chrX-19433376-C-A.
Other names: NC_000023.10:g.19433376C>A.
Identifiers: ClinVar variation 3033732 (VCV003033732.3), dbSNP rs200041074, ClinGen allele CA10364069.

ClinVar aggregate classification (germline): Likely benign (0 of 4 stars; one submission).

Conditions:
MAP3K15-related disorder. Also called: MAP3K15-related condition.

Allele frequency attached by ClinVar (database versions not stated): 1000 Genomes Project 30x 0.00021; ESP Exome Variant Server 0.00025; 1000 Genomes Project 0.00026; TOPMed 0.00039; ExAC 0.00051; gnomAD 0.00053.
gnomAD v4.1: 871 of 1,160,558 alleles (0.075%); highest among the groups gnomAD compares: Middle Eastern, 0.16%; no homozygotes.

Submissions (2):

PreventionGenetics, part of Exact Sciences
Classification: Likely benign for MAP3K15-related condition. Last evaluated: 2023-04-19. Review status: no assertion criteria provided. Collection method: clinical testing. Allele origin: germline.
Comment: This variant is classified as likely benign based on ACMG/AMP sequence variant interpretation guidelines (Richards et al. 2015 PMID: 25741868, with internal and published modifications).

Dr. Peter K. Rogan Lab, Western University
No classification provided (evidence only). Condition: Uterine corpus endometrial carcinoma. Review status: no classification provided. Collection method: in vitro. Allele origin: not applicable. Functional consequence: retained intron. Not counted in ClinVar's aggregate classification.